The following is an entry in ClinVar:

NM_001690.4(ATP6V1A):c.112G>A (p.Ala38Thr)

Gene: ATP6V1A (ATPase H+ transporting V1 subunit A; plus strand). Cytogenetic location: 3q13.31.
Variant type: single nucleotide variant.
Coding change: c.112G>A on transcript NM_001690.4 (MANE Select); coding-DNA position 112, G replaced by A.
Protein change: p.Ala38Thr; replaces alanine 38 with threonine.
Molecular consequence: missense variant.
Genome position (GRCh38, 1-based): chr3:113,781,079, G>A. VCF-style: chr3-113781079-G-A. GRCh37 (hg19) VCF-style: chr3-113499926-G-A.
Other names: short protein forms A38T.
Identifiers: ClinVar variation 3376716 (VCV003376716.1).
Genomic context (GRCh38, chr3:113,781,079, plus strand): 5'-AGTCATCAAAATAGTCTTTTGTTCTCTTCAGTGGTTACAGCCTGTGACATGGCGGGTGCA[G>A]CCATGTATGAGCTGGTGAGAGTGGGCCACAGCGAATTGGTTGGAGAGATTATTCGATTGG-3'
Protein context (NP_001681.2, residues 28-48): VVTACDMAGA[Ala38Thr]MYELVRVGHS

ClinVar aggregate classification (germline): Uncertain significance (1 of 4 stars; one submission).

Conditions:
Developmental and epileptic encephalopathy 93. Also called: EPILEPTIC ENCEPHALOPATHY, INFANTILE OR EARLY CHILDHOOD, 3. Identifiers: MedGen C4693934, MONDO:0020632, OMIM 618012.

Submission:

Victorian Clinical Genetics Services, Murdoch Childrens Research Institute
Classification: Uncertain significance for Developmental and epileptic encephalopathy 93. Last evaluated: 2023-07-17. Review status: criteria provided, single submitter. Criteria: ACMG Guidelines, 2015. Collection method: clinical testing. Allele origin: germline. Inheritance: Autosomal dominant inheritance. Affected: yes.
Comment: Based on the classification scheme VCGS_Germline_v1.3.4, this variant is classified as VUS-3B. Following criteria are met: 0102 - Loss of function is a known mechanism of disease in this gene and is associated with autosomal recessive cutis laxa type IID (MIM#617403) (PMID: 28065471). The mechanism of disease for autosomal dominant developmental and epileptic encephalopathy 93 (MIM#618012) is not established however, both loss of function and gain of function have been suggested (PMID: 29668857). (I) 0108 - This gene is associated with both recessive and dominant disease (OMIM. (I) 0200 - Variant is predicted to result in a missense amino acid change from alanine to threonine. (I) 0251 - This variant is heterozygous. (I) 0301 - Variant is absent from gnomAD (both v2 and v3). (SP) 0501 - Missense variant consistently predicted to be damaging by multiple in silico tools or highly conserved with a major amino acid change. (SP) 0600 - Variant is located in the annotated ATP synthase alpha/beta family, beta-barrel domain (DECIPHER). (I) 0705 - No comparable missense variants have previous evidence for pathogenicity. (I) 0807 - This variant has no previous evidence of pathogenicity. (I) 0905 - No published segregation evidence has been identified for this variant. (I) 1007 - No published functional evidence has been identified for this variant. (I) Legend: (SP) - Supporting pathogenic, (I) - Information, (SB) - Supporting benign

Literature cited by the submitters: PubMed 28065471; PubMed 29668857.